The following is an entry in ClinVar:

ClinVar aggregate classification (germline): Benign. Review status: reviewed by expert panel (3 of 4 stars). 29 submissions from 29 submitters: Benign (1). 28 of the submissions do not count toward it. Last evaluated 2024-06-25.

Conditions:
Von Hippel-Lindau syndrome (VHLS). Also called: VHL syndrome; Von Hippel-Lindau; von Hippel–Lindau syndrome. Identifiers: Orphanet 892, MedGen C0019562, MONDO:0008667, OMIM 193300. Disease mechanism: loss of function.
Chuvash polycythemia. Also called: POLYCYTHEMIA, VHL-DEPENDENT. Identifiers: Orphanet 238557, MedGen C1837915, MONDO:0009892, OMIM 263400.
Hereditary cancer-predisposing syndrome. Also called: Neoplastic Syndromes, Hereditary; Tumor predisposition; Hereditary Cancer Syndrome; Hereditary neoplastic syndrome. Identifiers: Orphanet 140162, MedGen C0027672, MeSH D009386, MONDO:0015356.
Enchondromatosis. Also called: ENCHONDROMATOSIS, MULTIPLE, OLLIER TYPE; DYSCHONDROPLASIA; Ollier disease; Multiple cartilaginous enchondroses; Multiple enchondromatosis. Identifiers: Orphanet 296, MedGen C0014084, MONDO:0008145, OMIM 166000, HP:0005701.
Hepatoblastoma. Identifiers: Orphanet 449, MedGen C0206624, MONDO:0018666, HP:0002884.

Allele frequency attached by ClinVar (database versions not stated): gnomAD exomes 0.00020; ExAC 0.00021; TOPMed 0.00035; gnomAD 0.00036 and 0.00039; ESP Exome Variant Server 0.00039.
gnomAD v4.1: 566 of 1,605,226 alleles (0.035%); highest among the groups gnomAD compares: Non-Finnish European, 0.046%; 1 homozygote.

Submissions 1 to 12 of 29:

ClinGen VHL Variant Curation Expert Panel, ClinGen
Classification: Benign for Von Hippel-Lindau syndrome. Last evaluated: 2024-06-25. Review status: reviewed by expert panel. Criteria: ClinGen VHL VCEP ACMG Specifications VHL V1. Collection method: curation. Allele origin: germline. Inheritance: Autosomal dominant inheritance.
Comment: The variant NM_000551.4(VHL):c.241C>T (p.Pro81Ser) is a missense variant in the first exon of the VHL gene. The GroupMax Filtering Allele Frequency (95% CI) in gnomAD v4.1.0 is 0.0004281 (543/1179690 from European, Non-Finnish Population). This is higher than the ClinGen VHL VCEP threshold of >=0.000156 (0.0156%) threshold expected for VHL disease (BA1). Therefore this variant meets the criterion for (BA1) and is classified as Benign for autosomal-dominant von Hippel-Lindau disease (VHL disease) based on the ACMG/AMP criteria applied, as specified by the ClinGen VHL VCEP Version 1.0 (Specifications approval date: 02/26/2024. Variant Approval Date 06/25/2024).

Labcorp Genetics (formerly Invitae), Labcorp
Classification: Benign for Von Hippel-Lindau syndrome; Chuvash polycythemia. Last evaluated: 2026-01-31. Review status: criteria provided, single submitter. Criteria: Invitae Variant Classification Sherloc (09022015). Collection method: clinical testing. Allele origin: germline. Not counted in ClinVar's aggregate classification.

Myriad Genetics, Inc.
Classification: Likely benign for Von Hippel-Lindau syndrome. Last evaluated: 2025-06-10. Review status: criteria provided, single submitter. Criteria: Myriad Autosomal Dominant, Autosomal Recessive and X-Linked Classification Criteria (2023). Collection method: clinical testing. Allele origin: unknown. Not counted in ClinVar's aggregate classification.
Comment: This variant is considered likely benign. This variant has been observed at a population frequency that is significantly greater than expected given the associated disease prevalence and penetrance.

Quest Diagnostics Nichols Institute San Juan Capistrano
Classification: Likely benign. Last evaluated: 2025-04-07. Review status: criteria provided, single submitter. Criteria: Quest Diagnostics criteria. Collection method: clinical testing. Allele origin: unknown. Not counted in ClinVar's aggregate classification.

Center for Genomic Medicine, Rigshospitalet, Copenhagen University Hospital
Classification: Benign. Last evaluated: 2025-03-04. Review status: criteria provided, single submitter. Criteria: ACMG Guidelines, 2015. Collection method: clinical testing. Allele origin: germline. Not counted in ClinVar's aggregate classification.

St. Jude Molecular Pathology, St. Jude Children's Research Hospital
Classification: Benign for Von Hippel-Lindau syndrome. Last evaluated: 2025-01-02. Review status: criteria provided, single submitter. Criteria: St. Jude Assertion Criteria 2020. Collection method: clinical testing. Allele origin: germline. Not counted in ClinVar's aggregate classification.
Comment: The VHL c.241C>T (p.Pro81Ser) missense change has a maximum subpopulation frequency of 0.046% in gnomAD v4.1.0 including one homozygote. The GroupMax filtering allele frequency in gnomAD V4.1.0 is higher than the frequency threshold for a variant causing Von Hippel Lindau disease as defined by the ClinGen VHL Variant Curation Expert Panel. Therefore, reports of this variant in individuals with Von Hippel Lindau-related cancers are not expected to be causal. In summary, this variant meets criteria to be classified as benign.

All of Us Research Program, National Institutes of Health
Classification: Likely benign for Von Hippel-Lindau syndrome. Last evaluated: 2024-09-11. Review status: criteria provided, single submitter. Criteria: ACMG Guidelines, 2015. Collection method: clinical testing. Allele origin: germline. Inheritance: Autosomal dominant inheritance. Observed: 146 variant alleles, 146 heterozygotes. Not counted in ClinVar's aggregate classification.
Comment: This study involves interpretation of variants in research participants for the purpose of population health screening. Participant phenotype was not available at the time of variant classification. Additional details can be found in publication PMID: 35346344, PMCID: PMC8962531

Color Diagnostics, LLC DBA Color Health
Classification: Likely benign for Von Hippel-Lindau syndrome. Last evaluated: 2023-03-22. Review status: criteria provided, single submitter. Criteria: ACMG Guidelines, 2015. Collection method: clinical testing. Allele origin: germline. Not counted in ClinVar's aggregate classification.

Mayo Clinic Laboratories, Mayo Clinic
Classification: Uncertain significance. Last evaluated: 2023-02-06. Review status: criteria provided, single submitter. Criteria: ACMG Guidelines, 2015. Collection method: clinical testing. Allele origin: germline. Observed: 17 variant alleles. Not counted in ClinVar's aggregate classification.
Comment: BS1, BP5

CeGaT Center for Human Genetics Tuebingen
Classification: Likely benign. Last evaluated: 2022-11-01. Review status: criteria provided, single submitter. Criteria: CeGaT Center For Human Genetics Tuebingen Variant Classification Criteria Version 2. Collection method: clinical testing. Allele origin: germline. Affected: yes. Observed: 1 variant allele. Not counted in ClinVar's aggregate classification.
Comment: VHL: PM1, PP3, BP2, BS4

Genetics and Molecular Pathology, SA Pathology
Classification: Uncertain significance for Von Hippel-Lindau syndrome. Last evaluated: 2022-08-29. Review status: criteria provided, single submitter. Criteria: ACMG Guidelines, 2015. Collection method: clinical testing. Allele origin: germline. Inheritance: Autosomal dominant inheritance. Affected: yes. Not counted in ClinVar's aggregate classification.
Comment: The VHL c.241C>T variant is a single nucleotide change in exon 1/3 of the VHL gene, which is predicted to change the amino acid proline at position 81 in the protein to serine. This variant is situated at the alpha-beta domain interface (PM1). The population frequency is higher than expected for a disease-causing VHL variant (gnomAD 0.035%, 53/152206) (PM2 Not Met). This variant has been reported in several families and individuals with VHL-related syndromes, including RCC, hemangioblastoma, and paraganglioma (PMID: 28503092, 8707293, 9829911, 10567493, 11106358) (PS4). Alosi et al. (PMID: 28503092) reported a kindred with 5 carriers of the variant and only one family member was affected with early onset renal clear cell cancer, suggesting that suggesting that the variant does not segregate with disease (BS4) or it may be a variant of variable penetrance. In silico tools suggest the impact of the variant on protein function is inconclusive. Functional studies have shown activity close to wildtype (PMID: 19228690), or a slight reduction to target protein binding with minimal impact to the protein complex functionality, except when in conjunction with another VHL variant (PMID: 22234250). The variant has been reported in dbSNP (rs104893829) and HGMD (CM951274). The variant has been reported with conflicting interpretations of pathogenicity by other diagnostic laboratories (ClinVar Variation ID:2233).

Laboratorio de Genetica e Diagnostico Molecular, Hospital Israelita Albert Einstein
Classification: Uncertain significance for Chuvash polycythemia. Last evaluated: 2022-07-06. Review status: criteria provided, single submitter. Criteria: ACMG Guidelines, 2015. Collection method: clinical testing. Allele origin: germline. Affected: yes. Not counted in ClinVar's aggregate classification.
Comment: ACMG classification criteria: PS3 supporting

NM_000551.4(VHL):c.241C>T (p.Pro81Ser)

Gene: VHL (von Hippel-Lindau tumor suppressor; plus strand). Cytogenetic location: 3p25.3.
Variant type: single nucleotide variant.
Coding change: c.241C>T on transcript NM_000551.4 (MANE Select); coding-DNA position 241, C replaced by T.
Protein change: p.Pro81Ser; replaces proline 81 with serine.
Molecular consequence: missense variant.
Genome position (GRCh38, 1-based): chr3:10,142,088, C>T. VCF-style: chr3-10142088-C-T. GRCh37 (hg19) VCF-style: chr3-10183772-C-T.
Other names: p.P81S:CCG>TCG; NM_000551.4(VHL):c.241C>T; c.241C>T, p.Pro81Ser (NM_001354723.2, NM_198156.3); short protein forms P81S.
Identifiers: ClinVar variation 2233 (VCV000002233.94), dbSNP rs104893829, ClinGen allele CA020148.